The following is an entry in ClinVar:

NM_006514.4(SCN10A):c.5110dup (p.Thr1704fs)

Gene: SCN10A (sodium voltage-gated channel alpha subunit 10; minus strand). Cytogenetic location: 3p22.2.
Variant type: Duplication.
Coding change: c.5110dup on transcript NM_006514.4 (MANE Select); coding-DNA position 5110, one base duplicated (A; older notation c.5110dupA).
Protein change: p.Thr1704fs; shifts the reading frame from threonine 1704.
Molecular consequence: frameshift variant.
Genome position (GRCh38, 1-based): chr3:38,698,110, T duplicated on the plus strand (A on the coding strand, the reverse complement: SCN10A is on the minus strand). VCF-style (leftmost placement, unchanged base first): chr3-38698109-G-GT. GRCh37 (hg19) VCF-style: chr3-38739600-G-GT.
Other names: c.5107dup, p.Thr1703fs (NM_001293306.2); c.4816dup, p.Thr1606fs (NM_001293307.2); short protein forms T1606fs, T1703fs, T1704fs.
Identifiers: ClinVar variation 4776507 (VCV004776507.1).

ClinVar aggregate classification (germline): Uncertain significance (1 of 4 stars; one submission).

Conditions:
Brugada syndrome. Also called: Sudden unexpected nocturnal death syndrome; Sudden Unexplained Death Syndrome; Sudden Unexplained Nocturnal Death Syndrome (SUNDS); Sudden unexplained nocturnal death syndrome. Identifiers: Orphanet 130, MedGen C1142166, MONDO:0015263.

Submission:

Labcorp Genetics (formerly Invitae), Labcorp
Classification: Uncertain significance for Brugada syndrome. Last evaluated: 2025-08-17. Review status: criteria provided, single submitter. Criteria: Invitae Variant Classification Sherloc (09022015). Collection method: clinical testing. Allele origin: germline.
Comment: This sequence change creates a premature translational stop signal (p.Thr1704Asnfs*31) in the SCN10A gene. While this is not anticipated to result in nonsense mediated decay, it is expected to disrupt the last 253 amino acid(s) of the SCN10A protein. This variant is not present in population databases (gnomAD no frequency). This variant has not been reported in the literature in individuals affected with SCN10A-related conditions. Experimental studies and prediction algorithms are not available or were not evaluated, and the functional significance of this variant is currently unknown. In summary, the available evidence is currently insufficient to determine the role of this variant in disease. Therefore, it has been classified as a Variant of Uncertain Significance.